The following is an entry in ClinVar:

ClinVar aggregate classification (germline): Likely benign (0 of 4 stars; one submission).

Conditions:
TSHZ3-related disorder. Also called: TSHZ3-related condition.

Allele frequency attached by ClinVar (database versions not stated): gnomAD exomes 0.00001; ExAC 0.00002; gnomAD 0.00002; TOPMed 0.00002; 1000 Genomes Project 30x 0.00016; 1000 Genomes Project 0.00020.
gnomAD v4.1: 14 of 1,596,436 alleles (0.00088%); highest among the groups gnomAD compares: Admixed American, 0.0085%; no homozygotes.

Submission:

PreventionGenetics, part of Exact Sciences
Classification: Likely benign for TSHZ3-related condition. Last evaluated: 2019-11-07. Review status: no assertion criteria provided. Collection method: clinical testing. Allele origin: germline.
Comment: This variant is classified as likely benign based on ACMG/AMP sequence variant interpretation guidelines (Richards et al. 2015 PMID: 25741868, with internal and published modifications).

NM_020856.4(TSHZ3):c.3192C>T (p.His1064=)

Gene: TSHZ3 (teashirt zinc finger homeobox 3; minus strand). Cytogenetic location: 19q12.
Variant type: single nucleotide variant.
Coding change: c.3192C>T on transcript NM_020856.4 (MANE Select); coding-DNA position 3192, C replaced by T.
Protein change: p.His1064=; no amino-acid change (histidine 1064 retained).
Molecular consequence: synonymous variant.
Genome position (GRCh38, 1-based): chr19:31,276,601, G>A on the plus strand (C>T on the coding strand, the complement: TSHZ3 is on the minus strand). VCF-style: chr19-31276601-G-A. GRCh37 (hg19) VCF-style: chr19-31767507-G-A.
Identifiers: ClinVar variation 3045626 (VCV003045626.2), dbSNP rs201875959, ClinGen allele CA9353916.